The following is an entry in ClinVar:

NM_004656.4(BAP1):c.119dup (p.Val43fs)

Gene: BAP1 (BRCA1 associated deubiquitinase 1; minus strand). Cytogenetic location: 3p21.1.
Variant type: Duplication.
Coding change: c.119dup on transcript NM_004656.4 (MANE Select); coding-DNA position 119, one base duplicated (A; older notation c.119dupA).
Protein change: p.Val43fs; shifts the reading frame from valine 43.
Molecular consequence: frameshift variant.
Genome position (GRCh38, 1-based): chr3:52,409,557, T duplicated on the plus strand (A on the coding strand, the reverse complement: BAP1 is on the minus strand). VCF-style (leftmost placement, unchanged base first): chr3-52409556-C-CT. GRCh37 (hg19) VCF-style: chr3-52443572-C-CT.
Other names: c.119dup, p.Val43fs (NM_001410772.1); short protein forms V43fs.
Identifiers: ClinVar variation 2679914 (VCV002679914.3), dbSNP rs2471364013, ClinGen allele CA2695197913.

ClinVar aggregate classification (germline): Pathogenic/Likely pathogenic. Review status: criteria provided, multiple submitters, no conflicts (2 of 4 stars). 2 submissions from 2 submitters: Pathogenic (1); Likely pathogenic (1). Last evaluated 2025-06-02.

Conditions:
BAP1-related tumor predisposition syndrome (TPDS1). Also called: BAP1 tumor predisposition syndrome; COMMON Syndrome; TUMOR PREDISPOSITION SYNDROME 1; Tumor susceptibility linked to germline BAP1 mutations. Identifiers: Orphanet 289539, MedGen C3280492, MONDO:0013692, OMIM 614327.

Submissions (2):

Labcorp Genetics (formerly Invitae), Labcorp
Classification: Pathogenic for BAP1-related tumor predisposition syndrome. Last evaluated: 2025-06-02. Review status: criteria provided, single submitter. Criteria: Invitae Variant Classification Sherloc (09022015). Collection method: clinical testing. Allele origin: germline.
Comment: This sequence change creates a premature translational stop signal (p.Val43Cysfs*26) in the BAP1 gene. It is expected to result in an absent or disrupted protein product. Loss-of-function variants in BAP1 are known to be pathogenic (PMID: 21874000, 23684012). This variant is not present in population databases (gnomAD no frequency). This variant has not been reported in the literature in individuals affected with BAP1-related conditions. ClinVar contains an entry for this variant (Variation ID: 2679914). For these reasons, this variant has been classified as Pathogenic.

Baylor Genetics
Classification: Likely pathogenic for BAP1-related tumor predisposition syndrome. Last evaluated: 2022-06-28. Review status: criteria provided, single submitter. Criteria: ACMG Guidelines, 2015. Collection method: clinical testing. Allele origin: unknown.

Literature cited by the submitters: PubMed 21874000 (cited by Labcorp Genetics (formerly Invitae), Labcorp); PubMed 23684012 (cited by Labcorp Genetics (formerly Invitae), Labcorp).